The following is an entry in ClinVar:

ClinVar aggregate classification (germline): Uncertain significance. Review status: criteria provided, multiple submitters, no conflicts (2 of 4 stars). 2 submissions from 2 submitters: Uncertain significance (2). Last evaluated 2021-06-11.

Conditions:
Inborn genetic diseases. Identifiers: MedGen C0950123, MeSH D030342.
Mosaic variegated aneuploidy syndrome 1 (MVA1). Also called: Warburton-Anyane-Yeboa syndrome. Identifiers: Orphanet 1052, MedGen C1850343, MONDO:0009759, OMIM 257300.

Allele frequency attached by ClinVar (database versions not stated): gnomAD exomes below 0.00001.
gnomAD v4.1: 2 of 1,609,630 alleles (0.00012%); highest among the groups gnomAD compares: East Asian, 0.0045%; no homozygotes.

Submissions (2):

Ambry Genetics
Classification: Uncertain significance for Inborn genetic diseases. Last evaluated: 2021-06-11. Review status: criteria provided, single submitter. Criteria: Ambry Variant Classification Scheme 2023. Collection method: clinical testing. Allele origin: germline.
Comment: The p.C767R variant (also known as c.2299T>C), located in coding exon 18 of the BUB1B gene, results from a T to C substitution at nucleotide position 2299. The cysteine at codon 767 is replaced by arginine, an amino acid with highly dissimilar properties. This amino acid position is conserved. In addition, this alteration is predicted to be tolerated by in silico analysis. Since supporting evidence is limited at this time, the clinical significance of this alteration remains unclear.

Labcorp Genetics (formerly Invitae), Labcorp
Classification: Uncertain significance for Mosaic variegated aneuploidy syndrome 1. Last evaluated: 2021-03-12. Review status: criteria provided, single submitter. Criteria: Invitae Variant Classification Sherloc (09022015). Collection method: clinical testing. Allele origin: germline.
Comment: This variant has not been reported in the literature in individuals with BUB1B-related conditions. This sequence change replaces cysteine with arginine at codon 767 of the BUB1B protein (p.Cys767Arg). The cysteine residue is moderately conserved and there is a large physicochemical difference between cysteine and arginine. This variant is not present in population databases (ExAC no frequency). Algorithms developed to predict the effect of missense changes on protein structure and function (SIFT, PolyPhen-2, Align-GVGD) all suggest that this variant is likely to be tolerated, but these predictions have not been confirmed by published functional studies and their clinical significance is uncertain. In summary, the available evidence is currently insufficient to determine the role of this variant in disease. Therefore, it has been classified as a Variant of Uncertain Significance.

NM_001211.6(BUB1B):c.2299T>C (p.Cys767Arg)

Gene: BUB1B (BUB1 mitotic checkpoint serine/threonine kinase B; plus strand). Cytogenetic location: 15q15.1.
Variant type: single nucleotide variant.
Coding change: c.2299T>C on transcript NM_001211.6 (MANE Select); coding-DNA position 2299, T replaced by C.
Protein change: p.Cys767Arg; replaces cysteine 767 with arginine.
Molecular consequence: missense variant.
Genome position (GRCh38, 1-based): chr15:40,210,124, T>C. VCF-style: chr15-40210124-T-C. GRCh37 (hg19) VCF-style: chr15-40502325-T-C.
Other names: short protein forms C767R.
Identifiers: ClinVar variation 1356822 (VCV001356822.10), dbSNP rs1429881927, ClinGen allele CA391694819.